The following is an entry in ClinVar:

NC_012920.1(MT-TY):m.5794_14876del

Genes: MT-CO3 (mitochondrially encoded cytochrome c oxidase III; plus strand), MT-CYB (mitochondrially encoded cytochrome b; plus strand), MT-ND3 (mitochondrially encoded NADH dehydrogenase 3; plus strand), MT-TG (mitochondrially encoded tRNA glycine; plus strand), MT-TH (mitochondrially encoded tRNA histidine; plus strand) and 17 more.
Variant type: Deletion.
Identifiers: ClinVar variation 209213 (VCV000209213.2), ClinGen allele CA250414.

ClinVar aggregate classification (germline): Likely pathogenic (1 of 4 stars; one submission).

Conditions:
Macrocytic dyserythropoietic anemia. Identifiers: MedGen C4025183, HP:0005532.
Primary dilated cardiomyopathy (DCM). Also called: Dilated Cardiomyopathy. Identifiers: Orphanet 217604, MedGen C0007193, MeSH D002311, MONDO:0005021, HP:0001644. Inheritance: Various modes of inheritance.

Submission:

Baylor Genetics
Classification: Likely pathogenic for Macrocytic dyserythropoietic anemia; Dilated cardiomyopathy. Last evaluated: 2014-11-04. Review status: criteria provided, single submitter. Criteria: Yang et al. 2013. Collection method: clinical testing. Allele origin: de novo. Inheritance: Mitochondrial inheritance. Affected: yes. Study: Adult_WES.

Literature cited by the submitters: PubMed 26633545.